The following is an entry in ClinVar:

NM_182961.4(SYNE1):c.4981_4984del (p.Glu1661fs)

Gene: SYNE1 (spectrin repeat containing nuclear envelope protein 1; minus strand). Cytogenetic location: 6q25.2.
Variant type: Deletion.
Coding change: c.4981_4984del on transcript NM_182961.4 (MANE Select); coding-DNA positions 4981 to 4984, 4 bases deleted (GAGA; older notation c.4981_4984delGAGA).
Protein change: p.Glu1661fs; shifts the reading frame from glutamic acid 1661.
Molecular consequence: frameshift variant.
Genome position (GRCh38, 1-based): chr6:152,427,809-152,427,812, TCTC deleted on the plus strand (GAGA on the coding strand, the reverse complement: SYNE1 is on the minus strand); deleting any 4 consecutive bases within chr6:152,427,809-152,427,813 gives the same sequence; the c. name uses the placement nearest the transcript's 3' end. VCF-style (leftmost placement, unchanged base first): chr6-152427808-TTCTC-T. GRCh37 (hg19) VCF-style: chr6-152748943-TTCTC-T.
Other names: c.5002_5005del, p.Glu1668fs (NM_033071.5); short protein forms E1661fs, E1668fs.
Identifiers: ClinVar variation 2684059 (VCV002684059.2), dbSNP rs2498429287, ClinGen allele CA2697553792.

ClinVar aggregate classification (germline): Pathogenic/Likely pathogenic. Review status: criteria provided, multiple submitters, no conflicts (2 of 4 stars). 2 submissions from 2 submitters: Pathogenic (1); Likely pathogenic (1). Last evaluated 2025-10-07.

Conditions:
Emery-Dreifuss muscular dystrophy 4, autosomal dominant (EDMD4). Also called: EMERY-DREIFUSS MUSCULAR DYSTROPHY 4 WITH VARIABLE FEATURES. Identifiers: Orphanet 261, MedGen C2751807, MONDO:0013071, OMIM 612998.
Autosomal recessive ataxia, Beauce type. Also called: Spinocerebellar ataxia, autosomal recessive 8; ATAXIA, RECESSIVE, OF BEAUCE; SYNE1-Related Autosomal Recessive Cerebellar Ataxia; SYNE1 Deficiency. Identifiers: Orphanet 88644, MedGen C1853116, MONDO:0012549, OMIM 610743.

Submissions (2):

Labcorp Genetics (formerly Invitae), Labcorp
Classification: Pathogenic for Emery-Dreifuss muscular dystrophy 4, autosomal dominant; Autosomal recessive ataxia, Beauce type. Last evaluated: 2025-10-07. Review status: criteria provided, single submitter. Criteria: Invitae Variant Classification Sherloc (09022015). Collection method: clinical testing. Allele origin: germline.
Comment: This sequence change creates a premature translational stop signal (p.Glu1668Lysfs*7) in the SYNE1 gene. It is expected to result in an absent or disrupted protein product. Loss-of-function variants in SYNE1 are known to be pathogenic (PMID: 19542096, 24319099, 27086870). This variant is not present in population databases (gnomAD no frequency). This variant has not been reported in the literature in individuals affected with SYNE1-related conditions. ClinVar contains an entry for this variant (Variation ID: 2684059). For these reasons, this variant has been classified as Pathogenic.

Athena Diagnostics
Classification: Likely pathogenic. Last evaluated: 2022-10-06. Review status: criteria provided, single submitter. Criteria: Athena Diagnostics Criteria. Collection method: clinical testing. Allele origin: unknown.
Comment: This variant is expected to result in the loss of a functional protein. This variant has not been reported in large, multi-ethnic general populations.

Literature cited by the submitters: PubMed 19542096 (cited by Labcorp Genetics (formerly Invitae), Labcorp); PubMed 24319099 (cited by Labcorp Genetics (formerly Invitae), Labcorp); PubMed 27086870 (cited by Labcorp Genetics (formerly Invitae), Labcorp).